The following is an entry in ClinVar:

ClinVar aggregate classification (germline): Uncertain significance (1 of 4 stars; one submission).

Submission:

Labcorp Genetics (formerly Invitae), Labcorp
Classification: Uncertain significance. Last evaluated: 2023-07-14. Review status: criteria provided, single submitter. Criteria: Invitae Variant Classification Sherloc (09022015). Collection method: clinical testing. Allele origin: germline.
Comment: Variants that disrupt the consensus splice site are a relatively common cause of aberrant splicing (PMID: 17576681, 9536098). Algorithms developed to predict the effect of sequence changes on RNA splicing suggest that this variant may disrupt the consensus splice site. ClinVar contains an entry for this variant (Variation ID: 1376078). This variant has been observed in individual(s) with Stargardt disease (Invitae). This variant is not present in population databases (gnomAD no frequency). This sequence change falls in intron 45 of the ABCA4 gene. It does not directly change the encoded amino acid sequence of the ABCA4 protein. It affects a nucleotide within the consensus splice site. In summary, the available evidence is currently insufficient to determine the role of this variant in disease. Therefore, it has been classified as a Variant of Uncertain Significance.

Literature cited by the submitters: PubMed 17576681; PubMed 9536098.

NM_000350.3(ABCA4):c.6282+2dup

Gene: ABCA4 (ATP binding cassette subfamily A member 4; minus strand). Cytogenetic location: 1p22.1.
Variant type: Duplication.
Coding change: c.6282+2dup on transcript NM_000350.3 (MANE Select); the canonical splice donor site of the intron after coding-DNA position 6282, one base duplicated (T; older notation c.6282+2dupT).
Molecular consequence: splice donor variant.
Genome position (GRCh38, 1-based): chr1:94,001,856, A duplicated on the plus strand (T on the coding strand, the reverse complement: ABCA4 is on the minus strand). VCF-style (leftmost placement, unchanged base first): chr1-94001855-T-TA. GRCh37 (hg19) VCF-style: chr1-94467411-T-TA.
Identifiers: ClinVar variation 1376078 (VCV001376078.6), dbSNP rs2100995400, ClinGen allele CA2573132675.